The following is an entry in ClinVar:

ClinVar aggregate classification (germline): Uncertain significance (1 of 4 stars; one submission).

Submission:

Women's Health and Genetics/Laboratory Corporation of America, LabCorp
Classification: Uncertain significance. Last evaluated: 2026-04-09. Review status: criteria provided, single submitter. Criteria: LabCorp Variant Classification Summary - May 2015. Collection method: clinical testing. Allele origin: germline.
Comment: Variant summary: RNU7-1 n.-9_-8delCA is located in the untranscribed region upstream of the RNU7-1 gene region. The variant allele was found at a frequency of 5.8e-05 in 896154 control chromosomes in the gnomAD v4 database, including one homozygote. This frequency is not significantly higher than estimated for disease-causing variants in RNU7-1, allowing no conclusion about variant significance. To our knowledge, no occurrence of n.-9_-8delCA in individuals affected with RNU7-1-related conditions and no experimental evidence demonstrating its impact on protein function have been reported. No submitters have cited clinical-significance assessments for this variant to ClinVar. Based on the evidence outlined above, the variant was classified as uncertain significance.

NC_000012.12:g.6943805CA[1]

Genes: C12orf57 (chromosome 12 open reading frame 57; plus strand), RNU7-1 (RNA, U7 small nuclear 1; plus strand). Cytogenetic location: 12p13.31.
Variant type: Microsatellite.
Molecular consequence: intron variant (on NM_001301836.2).
Genome position: GRCh38 VCF-style: chr12-6943803-AAC-A. GRCh37 (hg19) VCF-style: chr12-7052966-AAC-A.
Other names: c.13+145_13+146del (NM_001301836.2); c.-16+145_-16+146del (NM_001301834.1).
Identifiers: ClinVar variation 4848711 (VCV004848711.1).